The following is an entry in ClinVar:

ClinVar aggregate classification (germline): Uncertain significance (1 of 4 stars; one submission).

gnomAD v4.1: 9 of 1,614,062 alleles (0.00056%); highest among the groups gnomAD compares: Admixed American, 0.0017%; no homozygotes.

Submission:

Dasa
Classification: Uncertain significance. Last evaluated: 2025-11-10. Review status: criteria provided, single submitter. Criteria: DASA Assertion Criteria. Collection method: clinical testing. Allele origin: germline.
Comment: NM_007118.4(TRIO):c.5689C>T (p.Arg1897Cys) is a missense variant that results in the substitution of arginine with cysteine. This variant is rare in population databases. The currently available literature and clinical evidence are not sufficient to establish a definitive association between this variant and the reported condition. Therefore, this variant is classified as a variant of uncertain significance.

NM_007118.4(TRIO):c.5689C>T (p.Arg1897Cys)

Gene: TRIO (trio Rho guanine nucleotide exchange factor; plus strand). Cytogenetic location: 5p15.2.
Variant type: single nucleotide variant.
Coding change: c.5689C>T on transcript NM_007118.4 (MANE Select); coding-DNA position 5689, C replaced by T.
Protein change: p.Arg1897Cys; replaces arginine 1897 with cysteine.
Molecular consequence: missense variant. On other transcripts: non-coding transcript variant (1).
Genome position (GRCh38, 1-based): chr5:14,465,566, C>T. VCF-style: chr5-14465566-C-T. GRCh37 (hg19) VCF-style: chr5-14465675-C-T.
Other names: short protein forms R1897C.
Identifiers: ClinVar variation 4881016 (VCV004881016.2).
Genomic context (GRCh38, chr5:14,465,566, plus strand): 5'-CCTTGCCCCACCCCCTCCTTTTCTTAATTTCTTCTGTAGGCCTCTTCTCGGTTATTAGTC[C>T]GCCCCACCAGCTCCGAAACACCGAGTGCAGCCGAGCTCGTCAGTGCAATTGAGGAACTCG-3'
Protein context (NP_009049.2, residues 1887-1907): DDKASSRLLV[Arg1897Cys]PTSSETPSAA